The following is an entry in ClinVar:

ClinVar aggregate classification (germline): Likely benign. Review status: criteria provided, multiple submitters, no conflicts (2 of 4 stars). 2 submissions from 2 submitters: Likely benign (2). Last evaluated 2025-12-24.

Conditions:
Fanconi anemia (FA). Also called: Fanconi's anemia. Identifiers: Orphanet 84, MedGen C0015625, MeSH D005199, MONDO:0019391.

Allele frequency attached by ClinVar (database versions not stated): gnomAD 0.00001; TOPMed 0.00001; 1000 Genomes Project 30x 0.00016; 1000 Genomes Project 0.00020.
gnomAD v4.1: 6 of 1,614,038 alleles (0.00037%); highest among the groups gnomAD compares: South Asian, 0.0033%; no homozygotes.

Submissions (2):

Labcorp Genetics (formerly Invitae), Labcorp
Classification: Likely benign for Fanconi anemia. Last evaluated: 2025-12-24. Review status: criteria provided, single submitter. Criteria: Invitae Variant Classification Sherloc (09022015). Collection method: clinical testing. Allele origin: germline.

CeGaT Center for Human Genetics Tuebingen
Classification: Likely benign. Last evaluated: 2024-10-01. Review status: criteria provided, single submitter. Criteria: CeGaT Center For Human Genetics Tuebingen Variant Classification Criteria Version 2. Collection method: clinical testing. Allele origin: germline. Affected: yes. Observed: 1 variant allele.
Comment: SLX4: BP4, BP7

NM_032444.4(SLX4):c.4617C>T (p.Pro1539=)

Gene: SLX4 (SLX4 structure-specific endonuclease subunit; minus strand). Cytogenetic location: 16p13.3.
Variant type: single nucleotide variant.
Coding change: c.4617C>T on transcript NM_032444.4 (MANE Select); coding-DNA position 4617, C replaced by T.
Protein change: p.Pro1539=; no amino-acid change (proline 1539 retained).
Molecular consequence: synonymous variant.
Genome position (GRCh38, 1-based): chr16:3,589,021, G>A on the plus strand (C>T on the coding strand, the complement: SLX4 is on the minus strand). VCF-style: chr16-3589021-G-A. GRCh37 (hg19) VCF-style: chr16-3639022-G-A.
Identifiers: ClinVar variation 1118679 (VCV001118679.23), dbSNP rs545723462, ClinGen allele CA7865583.